The following is an entry in ClinVar:

ClinVar aggregate classification (germline): Uncertain significance (1 of 4 stars; one submission).

Allele frequency attached by ClinVar (database versions not stated): gnomAD exomes below 0.00001.

Submission:

Labcorp Genetics (formerly Invitae), Labcorp
Classification: Uncertain significance. Last evaluated: 2021-02-13. Review status: criteria provided, single submitter. Criteria: Invitae Variant Classification Sherloc (09022015). Collection method: clinical testing. Allele origin: germline.
Comment: This variant has not been reported in the literature in individuals with CARMIL2-related conditions. Algorithms developed to predict the effect of missense changes on protein structure and function (SIFT, PolyPhen-2, Align-GVGD) all suggest that this variant is likely to be tolerated, but these predictions have not been confirmed by published functional studies and their clinical significance is uncertain. In summary, the available evidence is currently insufficient to determine the role of this variant in disease. Therefore, it has been classified as a Variant of Uncertain Significance. This variant is not present in population databases (ExAC no frequency). This sequence change replaces serine with alanine at codon 637 of the CARMIL2 protein (p.Ser637Ala). The serine residue is weakly conserved and there is a moderate physicochemical difference between serine and alanine.

NM_001013838.3(CARMIL2):c.1909T>G (p.Ser637Ala)

Gene: CARMIL2 (capping protein regulator and myosin 1 linker 2; plus strand). Cytogenetic location: 16q22.1.
Variant type: single nucleotide variant.
Coding change: c.1909T>G on transcript NM_001013838.3 (MANE Select); coding-DNA position 1909, T replaced by G.
Protein change: p.Ser637Ala; replaces serine 637 with alanine.
Molecular consequence: missense variant.
Genome position (GRCh38, 1-based): chr16:67,649,609, T>G. VCF-style: chr16-67649609-T-G. GRCh37 (hg19) VCF-style: chr16-67683512-T-G.
Other names: c.1801T>G, p.Ser601Ala (NM_001317026.3); short protein forms S601A, S637A.
Identifiers: ClinVar variation 1509703 (VCV001509703.7), dbSNP rs1375146035, ClinGen allele CA396338024.